The following is an entry in ClinVar:

ClinVar aggregate classification (germline): Uncertain significance. Review status: criteria provided, multiple submitters, no conflicts (2 of 4 stars). 2 submissions from 2 submitters: Uncertain significance (2). Last evaluated 2024-01-09.

Conditions:
Short stature-onychodysplasia-facial dysmorphism-hypotrichosis syndrome. Also called: SOFT SYNDROME; Short stature, onychodysplasia, facial dysmorphism, and hypotrichosis. Identifiers: Orphanet 314394, MedGen C3542022, MONDO:0013894, OMIM 614813.
Inborn genetic diseases. Identifiers: MedGen C0950123, MeSH D030342.

Allele frequency attached by ClinVar (database versions not stated): TOPMed 0.00002; gnomAD 0.00003.
gnomAD v4.1: 35 of 1,613,882 alleles (0.0022%); highest among the groups gnomAD compares: South Asian, 0.02%; no homozygotes.

Submissions (2):

Ambry Genetics
Classification: Uncertain significance for Inborn genetic diseases. Last evaluated: 2024-01-09. Review status: criteria provided, single submitter. Criteria: Ambry Variant Classification Scheme 2023. Collection method: clinical testing. Allele origin: germline.

Neuberg Centre For Genomic Medicine, NCGM
Classification: Uncertain significance for Short stature-onychodysplasia-facial dysmorphism-hypotrichosis syndrome. Last evaluated: 2023-06-22. Review status: criteria provided, single submitter. Criteria: ACMG Guidelines, 2015. Collection method: clinical testing. Allele origin: germline. Inheritance: Autosomal recessive inheritance. Affected: yes.
Comment: The missense c.445C>T (p.Arg149Cys) variant in POC1A gene has not been reported previously as a pathogenic variant nor as a benign variant, to our knowledge. The p.Arg149Cys variant is present with allele frequency of 0.005% in gnomAD Exomes. This variant has not been submitted to the ClinVar database. Multiple lines of computational evidence (Polyphen - Probably Damaging, SIFT - Tolerated and MutationTaster - Disease causing) predicts conflicting evidence on protein structure and function for this variant. The reference amino acid at this position on POC1A is predicted as conserved by GERP++ and PhyloP across 100 vertebrates. The amino acid Arg at position 149 is changed to a Cys changing protein sequence and it might alter its composition and physico-chemical properties. For these reasons, this variant has been classified as a Variant of Uncertain Significance (VUS).

NM_015426.5(POC1A):c.445C>T (p.Arg149Cys)

Gene: POC1A (POC1 centriolar protein A; minus strand). Cytogenetic location: 3p21.2.
Variant type: single nucleotide variant.
Coding change: c.445C>T on transcript NM_015426.5 (MANE Select); coding-DNA position 445, C replaced by T.
Protein change: p.Arg149Cys; replaces arginine 149 with cysteine.
Molecular consequence: missense variant.
Genome position (GRCh38, 1-based): chr3:52,149,220, G>A on the plus strand (C>T on the coding strand, the complement: POC1A is on the minus strand). VCF-style: chr3-52149220-G-A. GRCh37 (hg19) VCF-style: chr3-52183236-G-A.
Other names: c.445C>T, p.Arg149Cys (NM_001161580.2); c.331C>T, p.Arg111Cys (NM_001161581.2); short protein forms R111C, R149C.
Identifiers: ClinVar variation 3216141 (VCV003216141.2), dbSNP rs200913830, ClinGen allele CA2429644.